The following is an entry in ClinVar:

NM_198578.4(LRRK2):c.1660A>G (p.Ile554Val)

Gene: LRRK2 (leucine rich repeat kinase 2; plus strand). Cytogenetic location: 12q12.
Variant type: single nucleotide variant.
Coding change: c.1660A>G on transcript NM_198578.4 (MANE Select); coding-DNA position 1660, A replaced by G.
Protein change: p.Ile554Val; replaces isoleucine 554 with valine.
Molecular consequence: missense variant.
Genome position (GRCh38, 1-based): chr12:40,274,586, A>G. VCF-style: chr12-40274586-A-G. GRCh37 (hg19) VCF-style: chr12-40668388-A-G.
Other names: short protein forms I554V.
Identifiers: ClinVar variation 3540630 (VCV003540630.1).

ClinVar aggregate classification (germline): Uncertain significance (1 of 4 stars; one submission).

Conditions:
Inborn genetic diseases. Identifiers: MedGen C0950123, MeSH D030342.

gnomAD v4.1: 1 of 1,613,612 alleles (0.000062%); highest among the groups gnomAD compares: African/African-American, 0.0013%; no homozygotes.

Submission:

Ambry Genetics
Classification: Uncertain significance for Inborn genetic diseases. Last evaluated: 2024-08-17. Review status: criteria provided, single submitter. Criteria: Ambry Variant Classification Scheme 2023. Collection method: clinical testing. Allele origin: germline.
Comment: The p.I554V variant (also known as c.1660A>G), located in coding exon 15 of the LRRK2 gene, results from an A to G substitution at nucleotide position 1660. The isoleucine at codon 554 is replaced by valine, an amino acid with highly similar properties. This amino acid position is conserved. In addition, this alteration is predicted to be tolerated by in silico analysis. Based on the available evidence, the clinical significance of this variant remains unclear.